The following is an entry in ClinVar:

NM_019892.6(INPP5E):c.1625_1626delinsGT (p.Thr542Ser)

Gene: INPP5E (inositol polyphosphate-5-phosphatase E; minus strand). Cytogenetic location: 9q34.3.
Variant type: Indel.
Coding change: c.1625_1626delinsGT on transcript NM_019892.6 (MANE Select); coding-DNA positions 1625 to 1626, CG replaced by GT.
Protein change: p.Thr542Ser; replaces threonine 542 with serine.
Molecular consequence: missense variant.
Genome position (GRCh38, 1-based): chr9:136,431,041-136,431,042, CG replaced by AC on the plus strand (CG replaced by GT on the coding strand, the reverse complement: INPP5E is on the minus strand). VCF-style: chr9-136431041-CG-AC. GRCh37 (hg19) VCF-style: chr9-139325493-CG-AC.
Other names: c.1622_1623delinsGT, p.Thr541Ser (NM_001318502.2); short protein forms T541S, T542S.
Identifiers: ClinVar variation 4992467 (VCV004992467.1).

ClinVar aggregate classification (germline): Uncertain significance (1 of 4 stars; one submission).

Conditions:
INPP5E-related disorder. Also called: INPP5E-related condition.

Submission:

PreventionGenetics, part of Exact Sciences
Classification: Uncertain significance for INPP5E-related condition. Last evaluated: 2026-03-09. Review status: criteria provided, single submitter. Criteria: ACMG Guidelines, 2015. Collection method: clinical testing. Allele origin: germline.
Comment: The INPP5E c.1625_1626delinsGT variant is predicted to result in an in-frame deletion and insertion. To our knowledge, this variant has not been reported in the literature or in a large population database (gnomAD), indicating this variant is rare. At this time, the clinical significance of this variant is uncertain due to the absence of conclusive functional and genetic evidence.